The following is an entry in ClinVar:

ClinVar aggregate classification (germline): Benign. Review status: criteria provided, multiple submitters, no conflicts (2 of 4 stars). 3 submissions from 3 submitters: Benign (3). Last evaluated 2021-07-14.

Conditions:
Osteogenesis imperfecta type 13. Also called: OI, TYPE XIII; Osteogenesis imperfecta, type xiii. Identifiers: Orphanet 666, MedGen C3553887, MONDO:0013924, OMIM 614856.

Allele frequency attached by ClinVar (database versions not stated): 1000 Genomes Project 0.99720; 1000 Genomes Project 30x 0.99750; gnomAD 0.99958 and 0.99968; TOPMed 0.99968; gnomAD exomes 0.99988.
gnomAD v4.1: 1,530,651 of 1,530,908 alleles (100%); highest among the groups gnomAD compares: Middle Eastern, 100%; 765,198 homozygotes.

Submissions (3):

Genome-Nilou Lab
Classification: Benign for Osteogenesis imperfecta type 13. Last evaluated: 2021-07-14. Review status: criteria provided, single submitter. Criteria: ACMG Guidelines, 2015. Collection method: clinical testing. Allele origin: germline. Affected: no.

GeneDx
Classification: Benign. Last evaluated: 2018-06-14. Review status: criteria provided, single submitter. Criteria: GeneDx Variant Classification (06012015). Collection method: clinical testing. Allele origin: germline. Affected: yes.
Comment: This variant is considered likely benign or benign based on one or more of the following criteria: it is a conservative change, it occurs at a poorly conserved position in the protein, it is predicted to be benign by multiple in silico algorithms, and/or has population frequency not consistent with disease.

Breakthrough Genomics
Classification: Benign. Review status: criteria provided, single submitter. Criteria: ACMG Guidelines, 2015. Collection method: not provided. Allele origin: germline. Inheritance: Autosomal recessive inheritance. Affected: yes.

NM_006129.5(BMP1):c.2576-103C>T

Gene: BMP1 (bone morphogenetic protein 1; plus strand). Cytogenetic location: 8p21.3.
Variant type: single nucleotide variant.
Coding change: c.2576-103C>T on transcript NM_006129.5 (MANE Select); 103 bases into the intron before coding-DNA position 2576, C replaced by T.
Molecular consequence: intron variant.
Genome position (GRCh38, 1-based): chr8:22,209,342, C>T. VCF-style: chr8-22209342-C-T. GRCh37 (hg19) VCF-style: chr8-22066855-C-T.
Identifiers: ClinVar variation 674720 (VCV000674720.5), dbSNP rs4463424, ClinGen allele CA173474936.